The following is an entry in ClinVar:

ClinVar aggregate classification (germline): Uncertain significance (1 of 4 stars; one submission).

gnomAD v4.1: 12 of 1,613,586 alleles (0.00074%); highest among the groups gnomAD compares: Non-Finnish European, 0.00093%; no homozygotes.

Submission:

Ambry Genetics
Classification: Uncertain significance. Last evaluated: 2024-11-21. Review status: criteria provided, single submitter. Criteria: Ambry Variant Classification Scheme 2023. Collection method: clinical testing. Allele origin: germline.
Comment: The p.S706F variant (also known as c.2117C>T), located in coding exon 13 of the GEN1 gene, results from a C to T substitution at nucleotide position 2117. The serine at codon 706 is replaced by phenylalanine, an amino acid with highly dissimilar properties. This amino acid position is conserved. In addition, this alteration is predicted to be tolerated by in silico analysis. Based on the available evidence, the clinical significance of this variant remains unclear.

NM_001130009.3(GEN1):c.2117C>T (p.Ser706Phe)

Gene: GEN1 (GEN1 Holliday junction 5' flap endonuclease; plus strand). Cytogenetic location: 2p24.2.
Variant type: single nucleotide variant.
Coding change: c.2117C>T on transcript NM_001130009.3 (MANE Select); coding-DNA position 2117, C replaced by T.
Protein change: p.Ser706Phe; replaces serine 706 with phenylalanine.
Molecular consequence: missense variant.
Genome position (GRCh38, 1-based): chr2:17,781,329, C>T. VCF-style: chr2-17781329-C-T. GRCh37 (hg19) VCF-style: chr2-17962596-C-T.
Other names: c.2117C>T, p.Ser706Phe (NM_182625.5); short protein forms S706F.
Identifiers: ClinVar variation 3519722 (VCV003519722.1).